The following is an entry in ClinVar:

ClinVar aggregate classification (germline): Uncertain significance (1 of 4 stars; one submission).

Conditions:
Bardet-Biedl syndrome (BBS). Identifiers: Orphanet 110, MedGen C0752166, MONDO:0015229.

Submission:

Labcorp Genetics (formerly Invitae), Labcorp
Classification: Uncertain significance for Bardet-Biedl syndrome. Last evaluated: 2021-11-06. Review status: criteria provided, single submitter. Criteria: Invitae Variant Classification Sherloc (09022015). Collection method: clinical testing. Allele origin: germline.
Comment: This sequence change falls in intron 21 of the BBS9 gene. It does not directly change the encoded amino acid sequence of the BBS9 protein. This variant is not present in population databases (gnomAD no frequency). This variant has not been reported in the literature in individuals affected with BBS9-related conditions. Algorithms developed to predict the effect of sequence changes on RNA splicing suggest that this variant may disrupt the consensus splice site. In summary, the available evidence is currently insufficient to determine the role of this variant in disease. Therefore, it has been classified as a Variant of Uncertain Significance.

NM_198428.3(BBS9):c.2522-5A>G

Gene: BBS9 (Bardet-Biedl syndrome 9; plus strand). Cytogenetic location: 7p14.3.
Variant type: single nucleotide variant.
Coding change: c.2522-5A>G on transcript NM_198428.3 (MANE Select); 5 bases into the intron before coding-DNA position 2522, A replaced by G.
Molecular consequence: intron variant.
Genome position (GRCh38, 1-based): chr7:33,604,860, A>G. VCF-style: chr7-33604860-A-G. GRCh37 (hg19) VCF-style: chr7-33644472-A-G.
Other names: c.2522-5A>G (NM_001348036.1, NM_001348041.4, NM_001348043.3); c.2522-30317A>G (NM_001362679.1); c.2249-5A>G (NM_001348038.3); c.2144-5A>G (NM_001348039.3); c.2507-5A>G (NM_001033605.2); c.2417-5A>G (NM_001033604.2); c.2402-5A>G (NM_014451.4, NM_001348040.3); c.1973-5A>G (NM_001348037.3); and 3 more.
Identifiers: ClinVar variation 1525476 (VCV001525476.3), dbSNP rs2129207620, ClinGen allele CA2573142075.